The following is an entry in ClinVar:

NM_015662.3(IFT172):c.3268G>A (p.Val1090Met)

Gene: IFT172 (intraflagellar transport 172; minus strand). Cytogenetic location: 2p23.3.
Variant type: single nucleotide variant.
Coding change: c.3268G>A on transcript NM_015662.3 (MANE Select); coding-DNA position 3268, G replaced by A.
Protein change: p.Val1090Met; replaces valine 1090 with methionine.
Molecular consequence: missense variant.
Genome position (GRCh38, 1-based): chr2:27,456,614, C>T on the plus strand (G>A on the coding strand, the complement: IFT172 is on the minus strand). VCF-style: chr2-27456614-C-T. GRCh37 (hg19) VCF-style: chr2-27679481-C-T.
Other names: c.3268G>A (NM_015662.1); short protein forms V1090M.
Identifiers: ClinVar variation 853137 (VCV000853137.15), dbSNP rs76076247, ClinGen allele CA1580032.

ClinVar aggregate classification (germline): Conflicting classifications of pathogenicity. Review status: criteria provided, conflicting classifications (1 of 4 stars). 6 submissions from 6 submitters: Uncertain significance (2); Likely benign (3). 1 of the submissions does not count toward it. Last evaluated 2025-01-21.

Conditions:
Retinal dystrophy. Also called: Inherited retinal dystrophy. Identifiers: Orphanet 71862, MedGen C0854723, MeSH D058499, MONDO:0019118, HP:0000556.
Bardet-Biedl syndrome 20. Identifiers: MedGen C4310707, MONDO:0023670, OMIM 619471, MONDO:0014926.
Short-rib thoracic dysplasia 10 with or without polydactyly (SRTD10). Identifiers: Orphanet 474, MedGen C3810175, MONDO:0014284, OMIM 615630.
Retinitis pigmentosa 71 (RP71). Identifiers: Orphanet 791, MedGen C4225342, MONDO:0014618, OMIM 616394.
IFT172-related disorder. Also called: IFT172-related disorders; IFT172-related condition.
Inborn genetic diseases. Identifiers: MedGen C0950123, MeSH D030342.

Allele frequency attached by ClinVar (database versions not stated): TOPMed 0.00002; gnomAD 0.00004 and 0.00009; gnomAD exomes 0.00012 and 0.00019; ExAC 0.00013; 1000 Genomes Project 30x 0.00016; 1000 Genomes Project 0.00020.
gnomAD v4.1: 187 of 1,614,140 alleles (0.012%); highest among the groups gnomAD compares: South Asian, 0.17%; 1 homozygote.

Submissions (6):

Labcorp Genetics (formerly Invitae), Labcorp
Classification: Likely benign for Retinitis pigmentosa 71; Short-rib thoracic dysplasia 10 with or without polydactyly. Last evaluated: 2025-01-21. Review status: criteria provided, single submitter. Criteria: Invitae Variant Classification Sherloc (09022015). Collection method: clinical testing. Allele origin: germline.

Fulgent Genetics
Classification: Uncertain significance for Short-rib thoracic dysplasia 10 with or without polydactyly; Retinitis pigmentosa 71; Bardet-Biedl syndrome 20. Last evaluated: 2024-05-06. Review status: criteria provided, single submitter. Criteria: ACMG Guidelines, 2015. Collection method: clinical testing. Allele origin: germline.

Ambry Genetics
Classification: Likely benign for Inborn genetic diseases. Last evaluated: 2024-01-19. Review status: criteria provided, single submitter. Criteria: Ambry Variant Classification Scheme 2023. Collection method: clinical testing. Allele origin: germline.

Blueprint Genetics
Classification: Likely benign. Last evaluated: 2023-11-27. Review status: criteria provided, single submitter. Criteria: ACMG Guidelines, 2015. Collection method: clinical testing. Allele origin: germline.

Dept Of Ophthalmology, Nagoya University
Classification: Uncertain significance for Retinal dystrophy. Last evaluated: 2023-10-01. Review status: criteria provided, single submitter. Criteria: Submitter's publication. Collection method: research. Allele origin: germline. Affected: yes.

PreventionGenetics, part of Exact Sciences
Classification: Likely benign for IFT172-related condition. Last evaluated: 2023-08-01. Review status: no assertion criteria provided. Collection method: clinical testing. Allele origin: germline. Not counted in ClinVar's aggregate classification.
Comment: This variant is classified as likely benign based on ACMG/AMP sequence variant interpretation guidelines (Richards et al. 2015 PMID: 25741868, with internal and published modifications).